The following is an entry in ClinVar:

NM_001999.4(FBN2):c.3932A>G (p.Tyr1311Cys)

Gene: FBN2 (fibrillin 2; minus strand). Cytogenetic location: 5q23.3.
Variant type: single nucleotide variant.
Coding change: c.3932A>G on transcript NM_001999.4 (MANE Select); coding-DNA position 3932, A replaced by G.
Protein change: p.Tyr1311Cys; replaces tyrosine 1311 with cysteine.
Molecular consequence: missense variant.
Genome position (GRCh38, 1-based): chr5:128,335,211, T>C on the plus strand (A>G on the coding strand, the complement: FBN2 is on the minus strand). VCF-style: chr5-128335211-T-C. GRCh37 (hg19) VCF-style: chr5-127670903-T-C.
Other names: short protein forms Y1311C.
Identifiers: ClinVar variation 213322 (VCV000213322.15), dbSNP rs762514246, ClinGen allele CA321929.

ClinVar aggregate classification (germline): Uncertain significance. Review status: criteria provided, multiple submitters, no conflicts (2 of 4 stars). 4 submissions from 4 submitters: Uncertain significance (4). Last evaluated 2026-01-13.

Conditions:
Ehlers-Danlos syndrome (EDS). Identifiers: Orphanet 98249, MedGen C0013720, MONDO:0020066.
Familial thoracic aortic aneurysm and aortic dissection (TAAD). Also called: Thoracic aortic aneurysms and dissections. Identifiers: Orphanet 91387, MedGen C4707243, MONDO:0019625.
Congenital contractural arachnodactyly (CCA). Also called: Beals-Hecht syndrome; BEALS SYNDROME; Arthrogryposis, distal, type 9. Identifiers: Orphanet 115, MedGen C0220668, MONDO:0007363, OMIM 121050.

Allele frequency attached by ClinVar (database versions not stated): gnomAD 0.00001; ExAC 0.00002; TOPMed 0.00002; gnomAD exomes 0.00004 and 0.00005.
gnomAD v4.1: 74 of 1,614,098 alleles (0.0046%); highest among the groups gnomAD compares: Non-Finnish European, 0.006%; no homozygotes.

Submissions (4):

Labcorp Genetics (formerly Invitae), Labcorp
Classification: Uncertain significance for Congenital contractural arachnodactyly. Last evaluated: 2026-01-13. Review status: criteria provided, single submitter. Criteria: Invitae Variant Classification Sherloc (09022015). Collection method: clinical testing. Allele origin: germline.
Comment: This sequence change replaces tyrosine, which is neutral and polar, with cysteine, which is neutral and slightly polar, at codon 1311 of the FBN2 protein (p.Tyr1311Cys). This variant is present in population databases (rs762514246, gnomAD 0.006%). This missense change has been observed in individual(s) with thoracic aortic dilatation (internal data). ClinVar contains an entry for this variant (Variation ID: 213322). Invitae Evidence Modeling of protein sequence and biophysical properties (such as structural, functional, and spatial information, amino acid conservation, physicochemical variation, residue mobility, and thermodynamic stability) indicates that this missense variant is not expected to disrupt FBN2 protein function with a negative predictive value of 80%. In summary, the available evidence is currently insufficient to determine the role of this variant in disease. Therefore, it has been classified as a Variant of Uncertain Significance.

Ambry Genetics
Classification: Uncertain significance for Familial thoracic aortic aneurysm and aortic dissection. Last evaluated: 2024-08-14. Review status: criteria provided, single submitter. Criteria: Ambry Variant Classification Scheme 2023. Collection method: clinical testing. Allele origin: germline.
Comment: The p.Y1311C variant (also known as c.3932A>G), located in coding exon 30 of the FBN2 gene, results from an A to G substitution at nucleotide position 3932. The tyrosine at codon 1311 is replaced by cysteine, an amino acid with highly dissimilar properties. In one study, 13 of 14 reportedFBN2mutations were located in the middle region of the gene (exons24-36), and 7of these mutations were noted to alter or produce a cysteine residue (CallewaertBL et al.HumMutat. 2009;30(3):334-341). This amino acid position is well conserved in available vertebrate species. In addition, this alteration is predicted to be deleterious by in silico analysis. Based on the available evidence, the clinical significance of this variant remains unclear.

GeneDx
Classification: Uncertain significance. Last evaluated: 2023-05-25. Review status: criteria provided, single submitter. Criteria: GeneDx Variant Classification Process June 2021. Collection method: clinical testing. Allele origin: germline. Affected: yes.
Comment: Has not been previously published as pathogenic or benign to our knowledge; In silico analysis supports that this missense variant has a deleterious effect on protein structure/function; This variant is associated with the following publications: (PMID: 19006240, 18767143)

Genome Diagnostics Laboratory, The Hospital for Sick Children
Classification: Uncertain significance for Ehlers-Danlos syndrome. Last evaluated: 2021-02-01. Review status: criteria provided, single submitter. Criteria: ACMG Guidelines, 2015. Collection method: clinical testing. Allele origin: germline.